The following is an entry in ClinVar:

NM_004725.4(BUB3):c.741T>A (p.Asn247Lys)

Gene: BUB3 (BUB3 mitotic checkpoint protein; plus strand). Cytogenetic location: 10q26.13.
Variant type: single nucleotide variant.
Coding change: c.741T>A on transcript NM_004725.4 (MANE Select); coding-DNA position 741, T replaced by A.
Protein change: p.Asn247Lys; replaces asparagine 247 with lysine.
Molecular consequence: missense variant.
Genome position (GRCh38, 1-based): chr10:123,162,400, T>A. VCF-style: chr10-123162400-T-A. GRCh37 (hg19) VCF-style: chr10-124921916-T-A.
Other names: c.741T>A, p.Asn247Lys (NM_001007793.3); short protein forms N247K.
Identifiers: ClinVar variation 1758846 (VCV001758846.2), dbSNP rs2493766237, ClinGen allele CA378626800.

ClinVar aggregate classification (germline): Uncertain significance (1 of 4 stars; one submission).

Submission:

Ambry Genetics
Classification: Uncertain significance. Last evaluated: 2021-12-10. Review status: criteria provided, single submitter. Criteria: Ambry Variant Classification Scheme 2023. Collection method: clinical testing. Allele origin: germline.
Comment: The p.N247K variant (also known as c.741T>A), located in coding exon 5 of the BUB3 gene, results from a T to A substitution at nucleotide position 741. The asparagine at codon 247 is replaced by lysine, an amino acid with similar properties. This amino acid position is conserved. In addition, this alteration is predicted to be tolerated by in silico analysis. Since supporting evidence is limited at this time, the clinical significance of this alteration remains unclear.